The following is an entry in ClinVar:

ClinVar aggregate classification (germline): Uncertain significance. Review status: criteria provided, multiple submitters, no conflicts (2 of 4 stars). 3 submissions from 3 submitters: Uncertain significance (3). Last evaluated 2024-04-16.

Conditions:
Hereditary cancer-predisposing syndrome. Also called: Neoplastic Syndromes, Hereditary; Hereditary Cancer Syndrome; Tumor predisposition; Hereditary neoplastic syndrome. Identifiers: Orphanet 140162, MedGen C0027672, MeSH D009386, MONDO:0015356.
Familial adenomatous polyposis 1 (FAP1). Also called: FAMILIAL ADENOMATOUS POLYPOSIS 1, ATTENUATED; POLYPOSIS, ADENOMATOUS INTESTINAL. Identifiers: MedGen C2713442, MONDO:0021056, OMIM 175100. Disease mechanism: loss of function.

Submissions (3):

Ambry Genetics
Classification: Uncertain significance for Hereditary cancer-predisposing syndrome. Last evaluated: 2024-04-16. Review status: criteria provided, single submitter. Criteria: Ambry Variant Classification Scheme 2023. Collection method: clinical testing. Allele origin: germline.
Comment: The p.S293I variant (also known as c.878G>T), located in coding exon 8 of the APC gene, results from a G to T substitution at nucleotide position 878. The serine at codon 293 is replaced by isoleucine, an amino acid with dissimilar properties. This amino acid position is highly conserved in available vertebrate species. In addition, in silico predictors for this gene do not accurately predict pathogenicity. Based on the available evidence, the clinical significance of this variant remains unclear.

Labcorp Genetics (formerly Invitae), Labcorp
Classification: Uncertain significance for Familial adenomatous polyposis 1. Last evaluated: 2024-01-25. Review status: criteria provided, single submitter. Criteria: Invitae Variant Classification Sherloc (09022015). Collection method: clinical testing. Allele origin: germline.
Comment: This sequence change replaces serine, which is neutral and polar, with isoleucine, which is neutral and non-polar, at codon 293 of the APC protein (p.Ser293Ile). This variant is not present in population databases (gnomAD no frequency). This variant has not been reported in the literature in individuals affected with APC-related conditions. Advanced modeling of protein sequence and biophysical properties (such as structural, functional, and spatial information, amino acid conservation, physicochemical variation, residue mobility, and thermodynamic stability) performed at Invitae indicates that this missense variant is not expected to disrupt APC protein function with a negative predictive value of 95%. In summary, the available evidence is currently insufficient to determine the role of this variant in disease. Therefore, it has been classified as a Variant of Uncertain Significance.

Blueprint Genetics
Classification: Uncertain significance. Last evaluated: 2022-10-12. Review status: criteria provided, single submitter. Criteria: ACMG Guidelines, 2015. Collection method: clinical testing. Allele origin: germline.

NM_000038.6(APC):c.878G>T (p.Ser293Ile)

Gene: APC (APC regulator of Wnt signaling pathway; plus strand). Cytogenetic location: 5q22.2.
Variant type: single nucleotide variant.
Coding change: c.878G>T on transcript NM_000038.6 (MANE Select); coding-DNA position 878, G replaced by T.
Protein change: p.Ser293Ile; replaces serine 293 with isoleucine.
Molecular consequence: missense variant. On other transcripts: non-coding transcript variant (2).
Genome position (GRCh38, 1-based): chr5:112,815,538, G>T. VCF-style: chr5-112815538-G-T. GRCh37 (hg19) VCF-style: chr5-112151235-G-T.
Other names: c.878G>T (NM_000038.5); c.878G>T, p.Ser293Ile (NM_001127510.3, NM_001354895.2, NM_001354896.2 and 12 more transcripts); c.824G>T, p.Ser275Ile (NM_001127511.3); c.908G>T, p.Ser303Ile (NM_001354897.2, NM_001354902.2, NM_001407446.1); c.803G>T, p.Ser268Ile (NM_001354898.2, NM_001354904.2, NM_001407451.1); c.794G>T, p.Ser265Ile (NM_001354899.2, NM_001407452.1, NM_001407467.1 and 1 more transcripts); c.701G>T, p.Ser234Ile (NM_001354900.2, NM_001354901.2, NM_001354905.2 and 1 more transcripts); c.29G>T, p.Ser10Ile (NM_001354906.2, NM_001407470.1, NM_001407471.1 and 1 more transcripts); short protein forms S268I, S293I, S303I, S234I, S275I, S10I, S265I.
Identifiers: ClinVar variation 2711233 (VCV002711233.5), dbSNP rs1040502776, ClinGen allele CA16023239.